The following is an entry in ClinVar:

ClinVar aggregate classification (germline): Benign (0 of 4 stars; one submission).

Conditions:
DSC3-related disorder. Also called: DSC3-related condition.

Allele frequency attached by ClinVar (database versions not stated): ESP Exome Variant Server 0.00315; 1000 Genomes Project 0.00339; 1000 Genomes Project 30x 0.00375.

Submission:

PreventionGenetics, part of Exact Sciences
Classification: Benign for DSC3-related condition. Last evaluated: 2020-07-14. Review status: no assertion criteria provided. Collection method: clinical testing. Allele origin: germline.
Comment: This variant is classified as benign based on ACMG/AMP sequence variant interpretation guidelines (Richards et al. 2015 PMID: 25741868, with internal and published modifications).

NM_001941.5(DSC3):c.595C>T (p.Arg199Trp)

Gene: DSC3 (desmocollin 3; minus strand). Cytogenetic location: 18q12.1.
Variant type: single nucleotide variant.
Coding change: c.595C>T on transcript NM_001941.5 (MANE Select); coding-DNA position 595, C replaced by T.
Protein change: p.Arg199Trp; replaces arginine 199 with tryptophan.
Molecular consequence: missense variant.
Genome position (GRCh38, 1-based): chr18:31,025,795, G>A on the plus strand (C>T on the coding strand, the complement: DSC3 is on the minus strand). VCF-style: chr18-31025795-G-A. GRCh37 (hg19) VCF-style: chr18-28605761-G-A.
Other names: c.595C>T, p.Arg199Trp (NM_024423.4); short protein forms R199W.
Identifiers: ClinVar variation 3042216 (VCV003042216.2), dbSNP rs276921, ClinGen allele CA8924577.